The following is an entry in ClinVar:

ClinVar aggregate classification (germline): Likely benign (0 of 4 stars; one submission).

Conditions:
NRXN3-related disorder. Also called: NRXN3-related condition.

Allele frequency attached by ClinVar (database versions not stated): 1000 Genomes Project 30x 0.00016; 1000 Genomes Project 0.00020; gnomAD exomes 0.00032; gnomAD 0.00033; TOPMed 0.00040; ExAC 0.00049; ESP Exome Variant Server 0.00052.
gnomAD v4.1: 517 of 1,598,818 alleles (0.032%); highest among the groups gnomAD compares: Admixed American, 0.11%; no homozygotes.

Submission:

PreventionGenetics, part of Exact Sciences
Classification: Likely benign for NRXN3-related condition. Last evaluated: 2019-08-09. Review status: no assertion criteria provided. Collection method: clinical testing. Allele origin: germline.
Comment: This variant is classified as likely benign based on ACMG/AMP sequence variant interpretation guidelines (Richards et al. 2015 PMID: 25741868, with internal and published modifications).

NM_001330195.2(NRXN3):c.879C>T (p.Asn293=)

Gene: NRXN3 (neurexin 3; plus strand). Cytogenetic location: 14q24.3.
Variant type: single nucleotide variant.
Coding change: c.879C>T on transcript NM_001330195.2 (MANE Select); coding-DNA position 879, C replaced by T.
Protein change: p.Asn293=; no amino-acid change (asparagine 293 retained).
Molecular consequence: synonymous variant. On other transcripts: 5 prime UTR variant (1), non-coding transcript variant (4).
Genome position (GRCh38, 1-based): chr14:78,645,241, C>T. VCF-style: chr14-78645241-C-T. GRCh37 (hg19) VCF-style: chr14-79111584-C-T.
Other names: c.879C>T, p.Asn293= (NM_001366425.1); c.891C>T, p.Asn297= (NM_001366426.1); c.-241C>T (NM_004796.6).
Identifiers: ClinVar variation 3034888 (VCV003034888.2), dbSNP rs369075241, ClinGen allele CA7291492.